The following is an entry in ClinVar:

ClinVar aggregate classification (germline): Uncertain significance (1 of 4 stars; one submission).

Allele frequency attached by ClinVar (database versions not stated): gnomAD exomes below 0.00001; TOPMed below 0.00001; gnomAD 0.00001.
gnomAD v4.1: 10 of 1,614,082 alleles (0.00062%); highest among the groups gnomAD compares: Admixed American, 0.015%; no homozygotes.

Submission:

Labcorp Genetics (formerly Invitae), Labcorp
Classification: Uncertain significance. Last evaluated: 2022-04-13. Review status: criteria provided, single submitter. Criteria: Invitae Variant Classification Sherloc (09022015). Collection method: clinical testing. Allele origin: germline.
Comment: This sequence change falls in intron 13 of the MAP3K20 gene. It does not directly change the encoded amino acid sequence of the MAP3K20 protein. It affects a nucleotide within the consensus splice site. In summary, the available evidence is currently insufficient to determine the role of this variant in disease. Therefore, it has been classified as a Variant of Uncertain Significance. Variants that disrupt the consensus splice site are a relatively common cause of aberrant splicing (PMID: 17576681, 9536098). Algorithms developed to predict the effect of sequence changes on RNA splicing suggest that this variant may create or strengthen a splice site. This variant has not been reported in the literature in individuals affected with MAP3K20-related conditions. This variant is not present in population databases (gnomAD no frequency).

Literature cited by the submitters: PubMed 17576681; PubMed 9536098.

NM_016653.3(MAP3K20):c.1063+2C>T

Genes: MAP3K20 (mitogen-activated protein kinase kinase kinase 20; plus strand), MAP3K20-AS1 (MAP3K20 antisense RNA 1; minus strand). Cytogenetic location: 2q31.1.
Variant type: single nucleotide variant.
Coding change: c.1063+2C>T on transcript NM_016653.3 (MANE Select); the canonical splice donor site of the intron after coding-DNA position 1063, C replaced by T.
Molecular consequence: splice donor variant.
Genome position (GRCh38, 1-based): chr2:173,232,224, C>T. VCF-style: chr2-173232224-C-T. GRCh37 (hg19) VCF-style: chr2-174096952-C-T.
Identifiers: ClinVar variation 1907531 (VCV001907531.5), dbSNP rs1684538552, ClinGen allele CA349315439.